The following is an entry in ClinVar:

NM_000222.3(KIT):c.962C>G (p.Thr321Ser)

Gene: KIT (KIT proto-oncogene, receptor tyrosine kinase; plus strand). Cytogenetic location: 4q12.
Variant type: single nucleotide variant.
Coding change: c.962C>G on transcript NM_000222.3 (MANE Select); coding-DNA position 962, C replaced by G.
Protein change: p.Thr321Ser; replaces threonine 321 with serine.
Molecular consequence: missense variant.
Genome position (GRCh38, 1-based): chr4:54,707,134, C>G. VCF-style: chr4-54707134-C-G. GRCh37 (hg19) VCF-style: chr4-55573300-C-G.
Other names: c.962C>G, p.Thr321Ser (NM_001093772.2, NM_001385285.1, NM_001385286.1); c.965C>G, p.Thr322Ser (NM_001385284.1, NM_001385288.1, NM_001385290.1 and 1 more transcripts); short protein forms T321S, T322S.
Identifiers: ClinVar variation 1024022 (VCV001024022.9), dbSNP rs1720838867, ClinGen allele CA356900819.

ClinVar aggregate classification (germline): Uncertain significance (1 of 4 stars; one submission).

Conditions:
Gastrointestinal stromal tumor. Also called: Gastrointestinal stromal tumor, somatic; Gastrointestinal stroma tumor. Identifiers: Orphanet 44890, MedGen C0238198, MeSH D046152, MONDO:0011719, OMIM 606764, HP:0100723.

Submission:

Labcorp Genetics (formerly Invitae), Labcorp
Classification: Uncertain significance for Gastrointestinal stromal tumor. Last evaluated: 2026-01-20. Review status: criteria provided, single submitter. Criteria: Invitae Variant Classification Sherloc (09022015). Collection method: clinical testing. Allele origin: germline.
Comment: This sequence change replaces threonine, which is neutral and polar, with serine, which is neutral and polar, at codon 321 of the KIT protein (p.Thr321Ser). This variant is not present in population databases (gnomAD no frequency). This variant has not been reported in the literature in individuals affected with KIT-related conditions. ClinVar contains an entry for this variant (Variation ID: 1024022). An algorithm developed to predict the effect of missense changes on protein structure and function outputs the following: PolyPhen-2: "Benign". The serine amino acid residue is found in multiple mammalian species, which suggests that this missense change does not adversely affect protein function. In summary, the available evidence is currently insufficient to determine the role of this variant in disease. Therefore, it has been classified as a Variant of Uncertain Significance.